The following is an entry in ClinVar:

ClinVar aggregate classification (germline): Likely benign (0 of 4 stars; one submission).

Conditions:
CDK5-related disorder. Also called: CDK5-related condition.

gnomAD v4.1: 1 of 1,602,182 alleles (0.000062%); highest among the groups gnomAD compares: Non-Finnish European, 0.000085%; no homozygotes.

Submission:

PreventionGenetics, part of Exact Sciences
Classification: Likely benign for CDK5-related condition. Last evaluated: 2023-05-16. Review status: no assertion criteria provided. Collection method: clinical testing. Allele origin: germline.
Comment: This variant is classified as likely benign based on ACMG/AMP sequence variant interpretation guidelines (Richards et al. 2015 PMID: 25741868, with internal and published modifications).

NM_004935.4(CDK5):c.837G>A (p.Glu279=)

Gene: CDK5 (cyclin dependent kinase 5; minus strand). Cytogenetic location: 7q36.1.
Variant type: single nucleotide variant.
Coding change: c.837G>A on transcript NM_004935.4 (MANE Select); coding-DNA position 837, G replaced by A.
Protein change: p.Glu279=; no amino-acid change (glutamic acid 279 retained).
Molecular consequence: synonymous variant.
Genome position (GRCh38, 1-based): chr7:151,054,051, C>T on the plus strand (G>A on the coding strand, the complement: CDK5 is on the minus strand). VCF-style: chr7-151054051-C-T. GRCh37 (hg19) VCF-style: chr7-150751138-C-T.
Other names: c.741G>A, p.Glu247= (NM_001164410.3).
Identifiers: ClinVar variation 3047550 (VCV003047550.2), dbSNP rs1344288403, ClinGen allele CA458654532.